The following is an entry in ClinVar:

NM_001037283.2(EIF3B):c.2406dup (p.Val803fs)

Gene: EIF3B (eukaryotic translation initiation factor 3 subunit B; plus strand). Cytogenetic location: 7p22.3.
Variant type: Duplication.
Coding change: c.2406dup on transcript NM_001037283.2 (MANE Select); coding-DNA position 2406, one base duplicated (C; older notation c.2406dupC).
Protein change: p.Val803fs; shifts the reading frame from valine 803.
Molecular consequence: frameshift variant.
Genome position (GRCh38, 1-based): chr7:2,379,458, C duplicated. VCF-style (leftmost placement, unchanged base first): chr7-2379457-T-TC. GRCh37 (hg19) VCF-style: chr7-2419092-T-TC.
Other names: c.2406dup, p.Val803fs (NM_001362791.2, NM_003751.4); c.1590dup, p.Val531fs (NM_001362792.2, NM_001362793.2); short protein forms V531fs, V803fs.
Identifiers: ClinVar variation 4529746 (VCV004529746.2).

ClinVar aggregate classification (germline): Uncertain significance (1 of 4 stars; one submission).

Submission:

GeneDx
Classification: Uncertain significance. Last evaluated: 2026-02-03. Review status: criteria provided, single submitter. Criteria: GeneDx Variant Classification Process June 2021. Collection method: clinical testing. Allele origin: germline.
Comment: Not observed at significant frequency in large population cohorts (gnomAD); Frameshift variant predicted to result in abnormal protein length as the last 12 amino acid(s) are replaced with 2 different amino acid(s) with an unclear effect on protein function; Has not been previously published as pathogenic or benign to our knowledge